The following is an entry in ClinVar:

NM_001134407.3(GRIN2A):c.1183T>C (p.Ser395Pro)

Gene: GRIN2A (glutamate ionotropic receptor NMDA type subunit 2A; minus strand). Cytogenetic location: 16p13.2.
Variant type: single nucleotide variant.
Coding change: c.1183T>C on transcript NM_001134407.3 (MANE Select); coding-DNA position 1183, T replaced by C.
Protein change: p.Ser395Pro; replaces serine 395 with proline.
Molecular consequence: missense variant.
Genome position (GRCh38, 1-based): chr16:9,849,901, A>G on the plus strand (T>C on the coding strand, the complement: GRIN2A is on the minus strand). VCF-style: chr16-9849901-A-G. GRCh37 (hg19) VCF-style: chr16-9943758-A-G.
Other names: c.1183T>C, p.Ser395Pro (NM_000833.5, NM_001134408.2); c.1183T>C (NM_000833.3); short protein forms S395P.
Identifiers: ClinVar variation 3661756 (VCV003661756.3).

ClinVar aggregate classification (germline): Conflicting classifications of pathogenicity. Review status: criteria provided, conflicting classifications (1 of 4 stars). 2 submissions from 2 submitters: Uncertain significance (1); Likely benign (1). Last evaluated 2024-12-31.

Conditions:
Landau-Kleffner syndrome (FESD). Also called: EPILEPSY, FOCAL, WITH SPEECH DISORDER AND WITH OR WITHOUT MENTAL RETARDATION; APHASIA, ACQUIRED, WITH EPILEPSY. Identifiers: Orphanet 1945, Orphanet 725, Orphanet 98818, MedGen C0282512, MONDO:0009509, OMIM 245570.

Submissions (2):

GeneDx
Classification: Uncertain significance. Last evaluated: 2024-12-31. Review status: criteria provided, single submitter. Criteria: GeneDx Variant Classification Process June 2021. Collection method: clinical testing. Allele origin: germline. Affected: yes.
Comment: Not observed at significant frequency in large population cohorts (gnomAD); In silico analysis indicates that this missense variant does not alter protein structure/function; Has not been previously published as pathogenic or benign to our knowledge

Labcorp Genetics (formerly Invitae), Labcorp
Classification: Likely benign for Landau-Kleffner syndrome. Last evaluated: 2024-11-11. Review status: criteria provided, single submitter. Criteria: Invitae Variant Classification Sherloc (09022015). Collection method: clinical testing. Allele origin: germline.